The following is an entry in ClinVar:

NM_001330360.2(POLA1):c.1200+3A>G

Gene: POLA1 (DNA polymerase alpha 1, catalytic subunit; plus strand). Cytogenetic location: Xp22.11.
Variant type: single nucleotide variant.
Coding change: c.1200+3A>G on transcript NM_001330360.2 (MANE Select); 3 bases into the intron after coding-DNA position 1200, A replaced by G.
Molecular consequence: intron variant.
Genome position (GRCh38, 1-based): chrX:24,723,270, A>G. VCF-style: chrX-24723270-A-G. GRCh37 (hg19) VCF-style: chrX-24741387-A-G.
Other names: c.1200+3A>G (NM_001378303.1); c.1182+3A>G (NM_016937.4).
Identifiers: ClinVar variation 2956442 (VCV002956442.3), dbSNP rs2518779418, ClinGen allele CA2693346335.
Genomic context (GRCh38, chrX:24,723,270, plus strand): 5'-CTGTTGTGTCATGGTGAAAAATATCGAGCGAACGCTTTACTTCCTTCCCCGTGAAATGGT[A>G]AACATTAGTGATTAGCTTTTAGTTCTCAGTCGTTGTATCTGCCACACATTCTGTGTTTTG-3'

ClinVar aggregate classification (germline): Uncertain significance (1 of 4 stars; one submission).

Submission:

Labcorp Genetics (formerly Invitae), Labcorp
Classification: Uncertain significance. Last evaluated: 2023-09-21. Review status: criteria provided, single submitter. Criteria: Invitae Variant Classification Sherloc (09022015). Collection method: clinical testing. Allele origin: germline.
Comment: In summary, the available evidence is currently insufficient to determine the role of this variant in disease. Therefore, it has been classified as a Variant of Uncertain Significance. Variants that disrupt the consensus splice site are a relatively common cause of aberrant splicing (PMID: 17576681, 9536098). Algorithms developed to predict the effect of sequence changes on RNA splicing suggest that this variant may disrupt the consensus splice site. This sequence change falls in intron 11 of the POLA1 gene. It does not directly change the encoded amino acid sequence of the POLA1 protein. It affects a nucleotide within the consensus splice site. This variant is not present in population databases (gnomAD no frequency). This variant has not been reported in the literature in individuals affected with POLA1-related conditions.

Literature cited by the submitters: PubMed 17576681; PubMed 9536098.